The following is an entry in ClinVar:

ClinVar aggregate classification (germline): Likely benign (1 of 4 stars; one submission).

gnomAD v4.1: 27 of 1,614,076 alleles (0.0017%); highest among the groups gnomAD compares: Middle Eastern, 0.016%; no homozygotes.

Submission:

Mayo Clinic Laboratories, Mayo Clinic
Classification: Likely benign. Last evaluated: 2025-05-27. Review status: criteria provided, single submitter. Criteria: ACMG Guidelines, 2015. Collection method: clinical testing. Allele origin: germline. Observed: 1 variant allele.
Comment: BP4, BP7

NM_138477.4(CDAN1):c.3504A>G (p.Gly1168=)

Gene: CDAN1 (codanin 1; minus strand). Cytogenetic location: 15q15.2.
Variant type: single nucleotide variant.
Coding change: c.3504A>G on transcript NM_138477.4 (MANE Select); coding-DNA position 3504, A replaced by G.
Protein change: p.Gly1168=; no amino-acid change (glycine 1168 retained).
Molecular consequence: synonymous variant.
Genome position (GRCh38, 1-based): chr15:42,725,198, T>C on the plus strand (A>G on the coding strand, the complement: CDAN1 is on the minus strand). VCF-style: chr15-42725198-T-C. GRCh37 (hg19) VCF-style: chr15-43017396-T-C.
Other names: p.Gly1168=.
Identifiers: ClinVar variation 4683967 (VCV004683967.1).